The following is an entry in ClinVar:

NM_000540.3(RYR1):c.6610C>T (p.His2204Tyr)

Gene: RYR1 (ryanodine receptor 1; plus strand). Cytogenetic location: 19q13.2.
Variant type: single nucleotide variant.
Coding change: c.6610C>T on transcript NM_000540.3 (MANE Select); coding-DNA position 6610, C replaced by T.
Protein change: p.His2204Tyr; replaces histidine 2204 with tyrosine.
Molecular consequence: missense variant.
Genome position (GRCh38, 1-based): chr19:38,496,276, C>T. VCF-style: chr19-38496276-C-T. GRCh37 (hg19) VCF-style: chr19-38986916-C-T.
Other names: c.6610C>T, p.His2204Tyr (NM_001042723.2); short protein forms H2204Y.
Identifiers: ClinVar variation 478259 (VCV000478259.10), dbSNP rs745432757, ClinGen allele CA308104063.

ClinVar aggregate classification (germline): Conflicting classifications of pathogenicity. Review status: criteria provided, conflicting classifications (1 of 4 stars). 2 submissions from 2 submitters: Likely pathogenic (1); Uncertain significance (1). Last evaluated 2023-09-27.

Conditions:
King Denborough syndrome (KDS). Identifiers: MedGen C1840365, MONDO:0020485, OMIM 619542.
Congenital myopathy with fiber type disproportion. Also called: Congenital fiber-type disproportion myopathy; Congenital fiber-type disproportion. Identifiers: Orphanet 2020, MedGen C0546264, MONDO:0009711. Inheritance: all.
Central core myopathy (CMYO1A). Also called: Central core disease; Myopathy, central fibrillar; CONGENITAL MYOPATHY 1A, AUTOSOMAL DOMINANT, WITH SUSCEPTIBILITY TO MALIGNANT HYPERTHERMIA. Identifiers: Orphanet 597, MedGen C5830701, MONDO:0007294, OMIM 117000.
Malignant hyperthermia, susceptibility to, 1 (MHS1). Also called: Anesthesia related hyperthermia; Malignant hyperpyrexia; Fulminating hyperpyrexia; Pharmacogenic myopathy; Malignant hyperthermia suceptibility 1; RYR1-Related Malignant Hyperthermia Susceptibility. Identifiers: Orphanet 423, MedGen C2930980, MONDO:0007783, OMIM 145600.
Congenital multicore myopathy with external ophthalmoplegia (CMYO1B). Also called: Minicore myopathy with external ophthalmoplegia; MULTICORE MYOPATHY; Congenital myopathy 1B, autosomal recessive; Minicore myopathy; MULTIMINICORE DISEASE WITH EXTERNAL OPHTHALMOPLEGIA. Identifiers: Orphanet 598, Orphanet 98905, MedGen C1850674, MONDO:0009712, OMIM 255320, HP:0003789.
RYR1-related disorder. Also called: RYR1-related condition; RYR1-related disorders. Identifiers: MedGen CN239331.

Allele frequency attached by ClinVar (database versions not stated): gnomAD exomes 0.00001; TOPMed 0.00001.
gnomAD v4.1: 14 of 1,614,026 alleles (0.00087%); highest among the groups gnomAD compares: Non-Finnish European, 0.0012%; no homozygotes.

Submissions (2):

Labcorp Genetics (formerly Invitae), Labcorp
Classification: Likely pathogenic for RYR1-related disorder. Last evaluated: 2023-09-27. Review status: criteria provided, single submitter. Criteria: Invitae Variant Classification Sherloc (09022015). Collection method: clinical testing. Allele origin: germline.
Comment: In summary, the currently available evidence indicates that the variant is pathogenic, but additional data are needed to prove that conclusively. Therefore, this variant has been classified as Likely Pathogenic. This variant disrupts the p.His2204 amino acid residue in RYR1. Other variant(s) that disrupt this residue have been determined to be pathogenic (PMID: 30236257). This suggests that this residue is clinically significant, and that variants that disrupt this residue are likely to be disease-causing. Advanced modeling of protein sequence and biophysical properties (such as structural, functional, and spatial information, amino acid conservation, physicochemical variation, residue mobility, and thermodynamic stability) performed at Invitae indicates that this missense variant is expected to disrupt RYR1 protein function. ClinVar contains an entry for this variant (Variation ID: 478259). This variant has not been reported in the literature in individuals affected with RYR1-related conditions. This variant is not present in population databases (gnomAD no frequency). This sequence change replaces histidine, which is basic and polar, with tyrosine, which is neutral and polar, at codon 2204 of the RYR1 protein (p.His2204Tyr).

Fulgent Genetics
Classification: Uncertain significance for Central core myopathy; Malignant hyperthermia, susceptibility to, 1; Congenital myopathy 4A, autosomal dominant; Congenital multicore myopathy with external ophthalmoplegia; King Denborough syndrome. Last evaluated: 2021-10-16. Review status: criteria provided, single submitter. Criteria: ACMG Guidelines, 2015. Collection method: clinical testing. Allele origin: unknown.

Literature cited by the submitters: PubMed 30236257 (cited by Labcorp Genetics (formerly Invitae), Labcorp).